The following is an entry in ClinVar:

ClinVar aggregate classification (germline): Likely benign (1 of 4 stars; one submission).

Allele frequency attached by ClinVar (database versions not stated): 1000 Genomes Project 30x 0.00328; 1000 Genomes Project 0.00339; TOPMed 0.00583; gnomAD 0.00627 and 0.00689; gnomAD exomes 0.00764.
gnomAD v4.1: 4,623 of 621,930 alleles (0.74%); highest among the groups gnomAD compares: Non-Finnish European, 0.91%; 35 homozygotes.

Submission:

GeneDx
Classification: Likely benign. Last evaluated: 2018-06-14. Review status: criteria provided, single submitter. Criteria: GeneDx Variant Classification (06012015). Collection method: clinical testing. Allele origin: germline. Affected: yes.
Comment: This variant is considered likely benign or benign based on one or more of the following criteria: it is a conservative change, it occurs at a poorly conserved position in the protein, it is predicted to be benign by multiple in silico algorithms, and/or has population frequency not consistent with disease.

NM_001378454.1(ALMS1):c.12362+181G>A

Gene: ALMS1 (ALMS1 centrosome and basal body associated protein; plus strand). Cytogenetic location: 2p13.1.
Variant type: single nucleotide variant.
Coding change: c.12362+181G>A on transcript NM_001378454.1 (MANE Select); 181 bases into the intron after coding-DNA position 12362, G replaced by A.
Molecular consequence: intron variant.
Genome position (GRCh38, 1-based): chr2:73,603,485, G>A. VCF-style: chr2-73603485-G-A. GRCh37 (hg19) VCF-style: chr2-73830612-G-A.
Other names: c.12362+181G>A (NM_015120.4); c.12365+181G>A (NM_015120.4).
Identifiers: ClinVar variation 679456 (VCV000679456.1), dbSNP rs141980244, ClinGen allele CA50338763.